The following is an entry in ClinVar:

ClinVar aggregate classification (germline): Conflicting classifications of pathogenicity. Review status: criteria provided, conflicting classifications (1 of 4 stars). 2 submissions from 2 submitters: Uncertain significance (1); Likely benign (1). Last evaluated 2025-06-12.

Conditions:
Inborn genetic diseases. Identifiers: MedGen C0950123, MeSH D030342.

Allele frequency attached by ClinVar (database versions not stated): gnomAD exomes 0.00001 and 0.00002; ExAC 0.00005; ESP Exome Variant Server 0.00015; gnomAD 0.00016 and 0.00018; TOPMed 0.00018.
gnomAD v4.1: 42 of 1,614,030 alleles (0.0026%); highest among the groups gnomAD compares: African/African-American, 0.051%; no homozygotes.

Submissions (2):

Labcorp Genetics (formerly Invitae), Labcorp
Classification: Uncertain significance. Last evaluated: 2025-06-12. Review status: criteria provided, single submitter. Criteria: Invitae Variant Classification Sherloc (09022015). Collection method: clinical testing. Allele origin: germline.
Comment: This sequence change replaces alanine, which is neutral and non-polar, with threonine, which is neutral and polar, at codon 288 of the GSN protein (p.Ala288Thr). This variant is present in population databases (rs376744130, gnomAD 0.04%). This variant has not been reported in the literature in individuals affected with GSN-related conditions. ClinVar contains an entry for this variant (Variation ID: 1383056). Invitae Evidence Modeling of protein sequence and biophysical properties (such as structural, functional, and spatial information, amino acid conservation, physicochemical variation, residue mobility, and thermodynamic stability) indicates that this missense variant is not expected to disrupt GSN protein function with a negative predictive value of 80%. In summary, the available evidence is currently insufficient to determine the role of this variant in disease. Therefore, it has been classified as a Variant of Uncertain Significance.

Ambry Genetics
Classification: Likely benign for Inborn genetic diseases. Last evaluated: 2021-06-21. Review status: criteria provided, single submitter. Criteria: Ambry Variant Classification Scheme 2023. Collection method: clinical testing. Allele origin: germline.

NM_198252.3(GSN):c.709G>A (p.Ala237Thr)

Gene: GSN (gelsolin; plus strand). Cytogenetic location: 9q33.2.
Variant type: single nucleotide variant.
Coding change: c.709G>A on transcript NM_198252.3 (MANE Select); coding-DNA position 709, G replaced by A.
Protein change: p.Ala237Thr; replaces alanine 237 with threonine.
Molecular consequence: missense variant.
Genome position (GRCh38, 1-based): chr9:121,313,979, G>A. VCF-style: chr9-121313979-G-A. GRCh37 (hg19) VCF-style: chr9-124076257-G-A.
Other names: c.862G>A, p.Ala288Thr (NM_000177.5); c.709G>A, p.Ala237Thr (NM_001127662.2, NM_001127664.2, NM_001127665.2 and 10 more transcripts); c.817G>A, p.Ala273Thr (NM_001127663.2); c.742G>A, p.Ala248Thr (NM_001127666.2, NM_001127667.2, NM_001353063.2 and 13 more transcripts); c.760G>A, p.Ala254Thr (NM_001258029.2); c.733G>A, p.Ala245Thr (NM_001258030.2); c.781G>A, p.Ala261Thr (NM_001353076.2); c.55G>A, p.Ala19Thr (NM_001353078.2); short protein forms A237T, A248T, A254T, A273T, A19T, A261T, A288T, A245T.
Identifiers: ClinVar variation 1383056 (VCV001383056.10), dbSNP rs376744130, ClinGen allele CA5221001.